The following is an entry in ClinVar:

ClinVar aggregate classification (germline): Uncertain significance. Review status: criteria provided, multiple submitters, no conflicts (2 of 4 stars). 4 submissions from 4 submitters: Uncertain significance (4). Last evaluated 2024-10-01.

Conditions:
Fetal akinesia deformation sequence 1 (FADS1). Also called: Fetal akinesia sequence; Pena-Shokeir syndrome type I. Identifiers: Orphanet 994, MedGen C1276035, MONDO:0100101, OMIM 208150, HP:0001989.
Congenital myasthenic syndrome 10. Also called: Myasthenia, limb-girdle, familial. Identifiers: Orphanet 590, MedGen C1850792, MONDO:0009690, OMIM 254300.

Allele frequency attached by ClinVar (database versions not stated): TOPMed below 0.00001.
gnomAD v4.1: 21 of 1,611,134 alleles (0.0013%); highest among the groups gnomAD compares: South Asian, 0.022%; no homozygotes.

Submissions (4):

Women's Health and Genetics/Laboratory Corporation of America, LabCorp
Classification: Uncertain significance. Last evaluated: 2024-10-01. Review status: criteria provided, single submitter. Criteria: LabCorp Variant Classification Summary - May 2015. Collection method: clinical testing. Allele origin: germline.
Comment: Variant summary: DOK7 c.212A>T (p.Tyr71Phe) results in a conservative amino acid change located in the Pleckstrin homology domain (IPR001849) of the encoded protein sequence. Five of five in-silico tools predict a benign effect of the variant on protein function. The variant allele was found at a frequency of 1.2e-05 in 247690 control chromosomes. c.212A>T has been reported in the literature as a homozygous genotype in at-least one individual reportedly affected with Limb-girdle muscular dystrophy (LGMD) who underwent whole exome sequencing (WES) (example, Ghaoui_2015). These data indicate that the variant may be associated with disease. To our knowledge, no experimental evidence demonstrating an impact on protein function has been reported. The following publications have been ascertained in the context of this evaluation (PMID: 26436962, 32331917, 36579833). ClinVar contains an entry for this variant (Variation ID: 597307). Based on the evidence outlined above, the variant was classified as VUS-possibly pathogenic.

Revvity Omics, Revvity
Classification: Uncertain significance. Last evaluated: 2023-07-04. Review status: criteria provided, single submitter. Criteria: ACMG Guidelines, 2015. Collection method: clinical testing. Allele origin: germline.

Labcorp Genetics (formerly Invitae), Labcorp
Classification: Uncertain significance for Congenital myasthenic syndrome 10; Fetal akinesia deformation sequence 1. Last evaluated: 2022-05-28. Review status: criteria provided, single submitter. Criteria: Invitae Variant Classification Sherloc (09022015). Collection method: clinical testing. Allele origin: germline.
Comment: This sequence change replaces tyrosine, which is neutral and polar, with phenylalanine, which is neutral and non-polar, at codon 71 of the DOK7 protein (p.Tyr71Phe). This variant is present in population databases (rs771583740, gnomAD 0.01%). This missense change has been observed in individual(s) with limb-girdle muscular dystrophy (PMID: 26436962). ClinVar contains an entry for this variant (Variation ID: 597307). Algorithms developed to predict the effect of missense changes on protein structure and function (SIFT, PolyPhen-2, Align-GVGD) all suggest that this variant is likely to be tolerated. In summary, the available evidence is currently insufficient to determine the role of this variant in disease. Therefore, it has been classified as a Variant of Uncertain Significance.

Eurofins Ntd Llc (ga)
Classification: Uncertain significance. Last evaluated: 2018-05-17. Review status: criteria provided, single submitter. Criteria: EGL ClinVar v180209 classification definitions. Collection method: clinical testing. Allele origin: germline. Observed: 1 variant allele, 1 heterozygote.

Literature cited by the submitters: PubMed 26436962 (cited by Women's Health and Genetics/Laboratory Corporation of America, LabCorp and Labcorp Genetics (formerly Invitae), Labcorp); PubMed 32331917 (cited by Women's Health and Genetics/Laboratory Corporation of America, LabCorp); PubMed 36579833 (cited by Women's Health and Genetics/Laboratory Corporation of America, LabCorp).

NM_173660.5(DOK7):c.212A>T (p.Tyr71Phe)

Gene: DOK7 (docking protein 7; plus strand). Cytogenetic location: 4p16.3.
Variant type: single nucleotide variant.
Coding change: c.212A>T on transcript NM_173660.5 (MANE Select); coding-DNA position 212, A replaced by T.
Protein change: p.Tyr71Phe; replaces tyrosine 71 with phenylalanine.
Molecular consequence: missense variant. On other transcripts: intron variant (1).
Genome position (GRCh38, 1-based): chr4:3,473,517, A>T. VCF-style: chr4-3473517-A-T. GRCh37 (hg19) VCF-style: chr4-3475244-A-T.
Other names: c.212A>T, p.Tyr71Phe (NM_001164673.2, NM_001301071.2); c.100+9966A>T (NM_001363811.2); short protein forms Y71F.
Identifiers: ClinVar variation 597307 (VCV000597307.10), dbSNP rs771583740, ClinGen allele CA2828908.